The following is an entry in ClinVar:

NM_014225.6(PPP2R1A):c.1506C>T (p.Leu502=)

Gene: PPP2R1A (protein phosphatase 2 scaffold subunit Aalpha; plus strand). Cytogenetic location: 19q13.41.
Variant type: single nucleotide variant.
Coding change: c.1506C>T on transcript NM_014225.6 (MANE Select); coding-DNA position 1506, C replaced by T.
Protein change: p.Leu502=; no amino-acid change (leucine 502 retained).
Molecular consequence: synonymous variant. On other transcripts: non-coding transcript variant (1).
Genome position (GRCh38, 1-based): chr19:52,221,121, C>T. VCF-style: chr19-52221121-C-T. GRCh37 (hg19) VCF-style: chr19-52724374-C-T.
Other names: c.969C>T, p.Leu323= (NM_001363656.2).
Identifiers: ClinVar variation 4281362 (VCV004281362.8).

ClinVar aggregate classification (germline): Likely benign. Review status: criteria provided, multiple submitters, no conflicts (2 of 4 stars). 2 submissions from 2 submitters: Likely benign (2). Last evaluated 2025-09-01.

gnomAD v4.1: 8 of 1,614,064 alleles (0.0005%); highest among the groups gnomAD compares: Non-Finnish European, 0.00059%; no homozygotes.

Submissions (2):

CeGaT Center for Human Genetics Tuebingen
Classification: Likely benign. Last evaluated: 2025-09-01. Review status: criteria provided, single submitter. Criteria: CeGaT Center For Human Genetics Tuebingen Variant Classification Criteria Version 2. Collection method: clinical testing. Allele origin: germline. Affected: yes. Observed: 1 variant allele.
Comment: PPP2R1A: BP4

Blueprint Genetics
Classification: Likely benign. Last evaluated: 2024-10-11. Review status: criteria provided, single submitter. Criteria: ACMG Guidelines, 2015. Collection method: clinical testing. Allele origin: germline.